The following is an entry in ClinVar:

ClinVar aggregate classification (germline): Uncertain significance (1 of 4 stars; one submission).

Submission:

GeneDx
Classification: Uncertain significance. Last evaluated: 2024-10-03. Review status: criteria provided, single submitter. Criteria: GeneDx Variant Classification Process June 2021. Collection method: clinical testing. Allele origin: germline. Affected: yes.
Comment: Not observed at significant frequency in large population cohorts (gnomAD); Has not been previously published as pathogenic or benign to our knowledge; In silico analysis suggests this variant may impact gene splicing. In the absence of RNA/functional studies, the actual effect of this sequence change is unknown.

NM_006306.4(SMC1A):c.855-13C>A

Gene: SMC1A (structural maintenance of chromosomes 1A; minus strand). Cytogenetic location: Xp11.22.
Variant type: single nucleotide variant.
Coding change: c.855-13C>A on transcript NM_006306.4 (MANE Select); 13 bases into the intron before coding-DNA position 855, C replaced by A.
Molecular consequence: intron variant.
Genome position (GRCh38, 1-based): chrX:53,412,266, G>T on the plus strand (C>A on the coding strand, the complement: SMC1A is on the minus strand). VCF-style: chrX-53412266-G-T. GRCh37 (hg19) VCF-style: chrX-53439216-G-T.
Other names: c.789-13C>A (NM_001281463.1).
Identifiers: ClinVar variation 3776522 (VCV003776522.1).